The following is an entry in ClinVar:

NM_001378778.1(MPDZ):c.1508C>T (p.Ser503Leu)

Gene: MPDZ (multiple PDZ domain crumbs cell polarity complex component; minus strand). Cytogenetic location: 9p23.
Variant type: single nucleotide variant.
Coding change: c.1508C>T on transcript NM_001378778.1 (MANE Select); coding-DNA position 1508, C replaced by T.
Protein change: p.Ser503Leu; replaces serine 503 with leucine.
Molecular consequence: missense variant.
Genome position (GRCh38, 1-based): chr9:13,205,074, G>A on the plus strand (C>T on the coding strand, the complement: MPDZ is on the minus strand). VCF-style: chr9-13205074-G-A. GRCh37 (hg19) VCF-style: chr9-13205073-G-A.
Other names: c.1508C>T, p.Ser503Leu (NM_001261406.2, NM_001261407.2, NM_001330637.2 and 14 more transcripts); c.1508C>T (NM_003829.3); short protein forms S503L.
Identifiers: ClinVar variation 1347274 (VCV001347274.6), dbSNP rs369233107, ClinGen allele CA189306233.

ClinVar aggregate classification (germline): Conflicting classifications of pathogenicity. Review status: criteria provided, conflicting classifications (1 of 4 stars). 2 submissions from 2 submitters: Uncertain significance (1); Likely benign (1). Last evaluated 2025-04-03.

Conditions:
Inborn genetic diseases. Identifiers: MedGen C0950123, MeSH D030342.

Allele frequency attached by ClinVar (database versions not stated): gnomAD 0.00007 and 0.00006; 1000 Genomes Project 30x 0.00016; gnomAD exomes 0.00003 and 0.00005; ESP Exome Variant Server 0.00010; TOPMed 0.00003.

Submissions (2):

Ambry Genetics
Classification: Likely benign for Inborn genetic diseases. Last evaluated: 2025-04-03. Review status: criteria provided, single submitter. Criteria: Ambry Variant Classification Scheme 2023. Collection method: clinical testing. Allele origin: germline.

Labcorp Genetics (formerly Invitae), Labcorp
Classification: Uncertain significance. Last evaluated: 2022-04-16. Review status: criteria provided, single submitter. Criteria: Invitae Variant Classification Sherloc (09022015). Collection method: clinical testing. Allele origin: germline.
Comment: This sequence change replaces serine, which is neutral and polar, with leucine, which is neutral and non-polar, at codon 503 of the MPDZ protein (p.Ser503Leu). The frequency data for this variant in the population databases is considered unreliable, as metrics indicate poor data quality at this position in the gnomAD database. This variant has not been reported in the literature in individuals affected with MPDZ-related conditions. Algorithms developed to predict the effect of missense changes on protein structure and function output the following: SIFT: "Tolerated"; PolyPhen-2: "Benign"; Align-GVGD: "Class C0". The leucine amino acid residue is found in multiple mammalian species, which suggests that this missense change does not adversely affect protein function. Algorithms developed to predict the effect of sequence changes on RNA splicing suggest that this variant may disrupt the consensus splice site. In summary, the available evidence is currently insufficient to determine the role of this variant in disease. Therefore, it has been classified as a Variant of Uncertain Significance.